The following is an entry in ClinVar:

NM_006922.4(SCN3A):c.1052T>C (p.Ile351Thr)

Gene: SCN3A (sodium voltage-gated channel alpha subunit 3; minus strand). Cytogenetic location: 2q24.3.
Variant type: single nucleotide variant.
Coding change: c.1052T>C on transcript NM_006922.4 (MANE Select); coding-DNA position 1052, T replaced by C.
Protein change: p.Ile351Thr; replaces isoleucine 351 with threonine.
Molecular consequence: missense variant.
Genome position (GRCh38, 1-based): chr2:165,155,883, A>G on the plus strand (T>C on the coding strand, the complement: SCN3A is on the minus strand). VCF-style: chr2-165155883-A-G. GRCh37 (hg19) VCF-style: chr2-166012393-A-G.
Other names: c.1052T>C, p.Ile351Thr (NM_001081676.2, NM_001081677.2); short protein forms I351T.
Identifiers: ClinVar variation 3316564 (VCV003316564.2).
Genomic context (GRCh38, chr2:165,155,883, plus strand): 5'-CAGCTAAAGGTGTCAAAGCTTGTGTAGCCATAGTTGGGGTTTCGACCAGCCTTCACACAG[A>G]TGTATCCTTCTGGACACTGGCTATAAGAGAGAGAAATGGAGGTAGGGTCAGTTTAGAAAT-3'
Protein context (NP_008853.3, residues 341-361): SDAGQCPEGY[Ile351Thr]CVKAGRNPNY

ClinVar aggregate classification (germline): Uncertain significance. Review status: criteria provided, multiple submitters, no conflicts (2 of 4 stars). 2 submissions from 2 submitters: Uncertain significance (2). Last evaluated 2025-11-28.

Conditions:
Inborn genetic diseases. Identifiers: MedGen C0950123, MeSH D030342.

Submissions (2):

Labcorp Genetics (formerly Invitae), Labcorp
Classification: Uncertain significance. Last evaluated: 2025-11-28. Review status: criteria provided, single submitter. Criteria: Invitae Variant Classification Sherloc (09022015). Collection method: clinical testing. Allele origin: germline.
Comment: This sequence change replaces isoleucine, which is neutral and non-polar, with threonine, which is neutral and polar, at codon 351 of the SCN3A protein (p.Ile351Thr). This variant is present in population databases (rs760621325, gnomAD 0.003%). This variant has not been reported in the literature in individuals affected with SCN3A-related conditions. ClinVar contains an entry for this variant (Variation ID: 3316564). Invitae Evidence Modeling of protein sequence and biophysical properties (such as structural, functional, and spatial information, amino acid conservation, physicochemical variation, residue mobility, and thermodynamic stability) indicates that this missense variant is not expected to disrupt SCN3A protein function with a negative predictive value of 95%. In summary, the available evidence is currently insufficient to determine the role of this variant in disease. Therefore, it has been classified as a Variant of Uncertain Significance.

Ambry Genetics
Classification: Uncertain significance for Inborn genetic diseases. Last evaluated: 2024-03-15. Review status: criteria provided, single submitter. Criteria: Ambry Variant Classification Scheme 2023. Collection method: clinical testing. Allele origin: germline.